The following is an entry in ClinVar:

NM_000057.4(BLM):c.2823G>A (p.Gln941=)

Gene: BLM (BLM RecQ like helicase; plus strand). Cytogenetic location: 15q26.1.
Variant type: single nucleotide variant.
Coding change: c.2823G>A on transcript NM_000057.4 (MANE Select); coding-DNA position 2823, G replaced by A.
Protein change: p.Gln941=; no amino-acid change (glutamine 941 retained).
Molecular consequence: synonymous variant.
Genome position (GRCh38, 1-based): chr15:90,785,081, G>A. VCF-style: chr15-90785081-G-A. GRCh37 (hg19) VCF-style: chr15-91328311-G-A.
Other names: c.2823G>A, p.Gln941= (NM_001287246.2, NM_001287247.2); c.1698G>A, p.Gln566= (NM_001287248.2).
Identifiers: ClinVar variation 2849518 (VCV002849518.3), dbSNP rs2151179967, ClinGen allele CA492163021.
Genomic context (GRCh38, chr15:90,785,081, plus strand): 5'-CCTCAGTGATTCTGCCAGAGATGAAGTGCAGCAGAAGTGGATTAATCAGGATGGCTGTCA[G>A]GTAACATTTTTAAAGATAAACAAATAATAGAAATAATCTTTTATAGCATATAACCAAACA-3'
Protein context (NP_000048.1, residues 931-951): QQKWINQDGC[Gln941=]VICATIAFGM

ClinVar aggregate classification (germline): Uncertain significance (1 of 4 stars; one submission).

Conditions:
Bloom syndrome (BLM). Also called: Bloom-Torre-Machacek syndrome. Identifiers: Orphanet 125, MedGen C0005859, MONDO:0008876, OMIM 210900.

Submission:

Labcorp Genetics (formerly Invitae), Labcorp
Classification: Uncertain significance for Bloom syndrome. Last evaluated: 2023-03-26. Review status: criteria provided, single submitter. Criteria: Invitae Variant Classification Sherloc (09022015). Collection method: clinical testing. Allele origin: germline.
Comment: This sequence change affects codon 941 of the BLM mRNA. It is a 'silent' change, meaning that it does not change the encoded amino acid sequence of the BLM protein. This variant also falls at the last nucleotide of exon 14, which is part of the consensus splice site for this exon. This variant is not present in population databases (gnomAD no frequency). This variant has not been reported in the literature in individuals affected with BLM-related conditions. Variants that disrupt the consensus splice site are a relatively common cause of aberrant splicing (PMID: 17576681, 9536098). RNA analysis performed to evaluate the impact of this variant on mRNA splicing indicates it does not significantly alter splicing (Invitae). In summary, the available evidence is currently insufficient to determine the role of this variant in disease. Therefore, it has been classified as a Variant of Uncertain Significance.

Literature cited by the submitters: PubMed 17576681; PubMed 9536098.